The following is an entry in ClinVar:

ClinVar aggregate classification (germline): Uncertain significance (1 of 4 stars; one submission).

Allele frequency attached by ClinVar (database versions not stated): TOPMed below 0.00001; gnomAD 0.00001.

Submission:

Labcorp Genetics (formerly Invitae), Labcorp
Classification: Uncertain significance. Last evaluated: 2022-07-14. Review status: criteria provided, single submitter. Criteria: Invitae Variant Classification Sherloc (09022015). Collection method: clinical testing. Allele origin: germline.
Comment: This sequence change replaces alanine, which is neutral and non-polar, with serine, which is neutral and polar, at codon 121 of the CD59 protein (p.Ala121Ser). This variant is not present in population databases (gnomAD no frequency). This variant has not been reported in the literature in individuals affected with CD59-related conditions. Algorithms developed to predict the effect of missense changes on protein structure and function (SIFT, PolyPhen-2, Align-GVGD) all suggest that this variant is likely to be tolerated. In summary, the available evidence is currently insufficient to determine the role of this variant in disease. Therefore, it has been classified as a Variant of Uncertain Significance.

NM_000611.6(CD59):c.361G>T (p.Ala121Ser)

Gene: CD59 (CD59 molecule (CD59 blood group); minus strand). Cytogenetic location: 11p13.
Variant type: single nucleotide variant.
Coding change: c.361G>T on transcript NM_000611.6 (MANE Select); coding-DNA position 361, G replaced by T.
Protein change: p.Ala121Ser; replaces alanine 121 with serine.
Molecular consequence: missense variant.
Genome position (GRCh38, 1-based): chr11:33,710,152, C>A on the plus strand (G>T on the coding strand, the complement: CD59 is on the minus strand). VCF-style: chr11-33710152-C-A. GRCh37 (hg19) VCF-style: chr11-33731698-C-A.
Other names: c.361G>T, p.Ala121Ser (NM_001127223.1, NM_001127225.2, NM_001127226.2 and 4 more transcripts); short protein forms A121S.
Identifiers: ClinVar variation 2159226 (VCV002159226.1), dbSNP rs1435725939, ClinGen allele CA380019909.